The following is an entry in ClinVar:

NM_004211.5(SLC6A5):c.475G>T (p.Val159Leu)

Gene: SLC6A5 (solute carrier family 6 member 5; plus strand). Cytogenetic location: 11p15.1.
Variant type: single nucleotide variant.
Coding change: c.475G>T on transcript NM_004211.5 (MANE Select); coding-DNA position 475, G replaced by T.
Protein change: p.Val159Leu; replaces valine 159 with leucine.
Molecular consequence: missense variant. On other transcripts: 5 prime UTR variant (1).
Genome position (GRCh38, 1-based): chr11:20,601,600, G>T. VCF-style: chr11-20601600-G-T. GRCh37 (hg19) VCF-style: chr11-20623146-G-T.
Other names: c.-89G>T (NM_001318369.2); short protein forms V159L.
Identifiers: ClinVar variation 2009512 (VCV002009512.4), dbSNP rs1428598495, ClinGen allele CA379912358.

ClinVar aggregate classification (germline): Uncertain significance (1 of 4 stars; one submission).

Conditions:
Hyperekplexia 3 (HKPX3). Also called: HYPEREKPLEXIA 3, AUTOSOMAL RECESSIVE; HYPEREKPLEXIA 3, AUTOSOMAL DOMINANT. Identifiers: Orphanet 3197, MedGen C3553288, MONDO:0013827, OMIM 614618.

Submission:

Labcorp Genetics (formerly Invitae), Labcorp
Classification: Uncertain significance for Hyperekplexia 3. Last evaluated: 2022-09-09. Review status: criteria provided, single submitter. Criteria: Invitae Variant Classification Sherloc (09022015). Collection method: clinical testing. Allele origin: germline.
Comment: This sequence change replaces valine, which is neutral and non-polar, with leucine, which is neutral and non-polar, at codon 159 of the SLC6A5 protein (p.Val159Leu). This variant is not present in population databases (gnomAD no frequency). This variant has not been reported in the literature in individuals affected with SLC6A5-related conditions. Advanced modeling of protein sequence and biophysical properties (such as structural, functional, and spatial information, amino acid conservation, physicochemical variation, residue mobility, and thermodynamic stability) performed at Invitae indicates that this missense variant is not expected to disrupt SLC6A5 protein function. In summary, the available evidence is currently insufficient to determine the role of this variant in disease. Therefore, it has been classified as a Variant of Uncertain Significance.